The following is an entry in ClinVar:

NM_139276.3(STAT3):c.1018A>G (p.Lys340Glu)

Gene: STAT3 (signal transducer and activator of transcription 3; minus strand). Cytogenetic location: 17q21.2.
Variant type: single nucleotide variant.
Coding change: c.1018A>G on transcript NM_139276.3 (MANE Select); coding-DNA position 1018, A replaced by G.
Protein change: p.Lys340Glu; replaces lysine 340 with glutamic acid.
Molecular consequence: missense variant.
Genome position (GRCh38, 1-based): chr17:42,333,704, T>C on the plus strand (A>G on the coding strand, the complement: STAT3 is on the minus strand). VCF-style: chr17-42333704-T-C. GRCh37 (hg19) VCF-style: chr17-40485722-T-C.
Other names: c.1018A>G, p.Lys340Glu (NM_001369512.1, NM_001369513.1, NM_001369514.1 and 15 more transcripts); c.940A>G, p.Lys314Glu (NM_001384985.1); c.922A>G, p.Lys308Glu (NM_001384989.1); short protein forms K308E, K314E, K340E.
Identifiers: ClinVar variation 2635216 (VCV002635216.1), dbSNP rs2509390675, ClinGen allele CA399590609.
Genomic context (GRCh38, chr17:42,333,704, plus strand): 5'-CTACTGGAAATGGAAGTGGCATGGCCTACCTGACTTTAGTAGTGAACTGGACGCCGGTCT[T>C]GATGACGAGGGGCCGGTCAGGATGCATGGGCATGCAGGGCTGCCGCTCCACCACAAAGGC-3'
Protein context (NP_644805.1, residues 330-350): PMHPDRPLVI[Lys340Glu]TGVQFTTKVR

ClinVar aggregate classification (germline): Likely pathogenic (1 of 4 stars; one submission).

Conditions:
STAT3-related disorder. Also called: STAT3-related condition.

Submission:

PreventionGenetics, part of Exact Sciences
Classification: Likely pathogenic for STAT3-related condition. Last evaluated: 2022-10-25. Review status: criteria provided, single submitter. Criteria: ACMG Guidelines, 2015. Collection method: clinical testing. Allele origin: germline.
Comment: The STAT3 c.1018A>G variant is predicted to result in the amino acid substitution p.Lys340Glu. This variant has been reported in an individual with hyper-IgE syndrome with clinical features of joint hypermobility, scoliosis, high palate, retention of deciduous teeth, severe eczema, recurrent pneumonia, septic arthritis, and recurrent cutaneous abscesses (Patient 7.1, Felgentreff et al. 2014. PubMed ID: 24333532). This variant has not been reported in a large population database, indicating this variant is rare. Of note, other variants impacting the p.Lys340 amino acid have also been reported in individuals with hyper-IgE syndrome and primary immunodeficiency (Saikia et al. 2014. PubMed ID: 25543043; Grodecká et al. 2017. PubMed ID: 28359783; Saikia et al. 2021. PubMed ID: 33717144). Taken together, we interpret the c.1018A>G (p.Lys340Glu) variant as likely pathogenic.